The following is an entry in ClinVar:

ClinVar aggregate classification (germline): Uncertain significance (1 of 4 stars; one submission).

Conditions:
Bethlem myopathy 1A. Also called: Bethlem Muscular Dystrophy; Bethlem myopathy 1; MYOPATHY, BENIGN CONGENITAL, WITH CONTRACTURES. Identifiers: Orphanet 610, MedGen CN029274, MONDO:0024530, OMIM 158810.

gnomAD v4.1: 1 of 1,555,338 alleles (0.000064%); highest among the groups gnomAD compares: Non-Finnish European, 0.000087%; no homozygotes.

Submission:

Labcorp Genetics (formerly Invitae), Labcorp
Classification: Uncertain significance for Bethlem myopathy 1A. Last evaluated: 2018-11-08. Review status: criteria provided, single submitter. Criteria: Invitae Variant Classification Sherloc (09022015). Collection method: clinical testing. Allele origin: germline.
Comment: In summary, the available evidence is currently insufficient to determine the role of this variant in disease. Therefore, it has been classified as a Variant of Uncertain Significance. Algorithms developed to predict the effect of missense changes on protein structure and function output the following: SIFT: "Tolerated"; PolyPhen-2: "Benign"; Align-GVGD: "Class C0". The arginine amino acid residue is found in multiple mammalian species, suggesting that this missense change does not adversely affect protein function. These predictions have not been confirmed by published functional studies and their clinical significance is uncertain. This variant has not been reported in the literature in individuals with COL6A1-related disease. This variant is not present in population databases (ExAC no frequency). This sequence change replaces lysine with arginine at codon 540 of the COL6A1 protein (p.Lys540Arg). The lysine residue is highly conserved and there is a small physicochemical difference between lysine and arginine.

NM_001848.3(COL6A1):c.1619A>G (p.Lys540Arg)

Gene: COL6A1 (collagen type VI alpha 1 chain; plus strand). Cytogenetic location: 21q22.3.
Variant type: single nucleotide variant.
Coding change: c.1619A>G on transcript NM_001848.3 (MANE Select); coding-DNA position 1619, A replaced by G.
Protein change: p.Lys540Arg; replaces lysine 540 with arginine.
Molecular consequence: missense variant.
Genome position (GRCh38, 1-based): chr21:45,998,904, A>G. VCF-style: chr21-45998904-A-G. GRCh37 (hg19) VCF-style: chr21-47418818-A-G.
Other names: short protein forms K540R.
Identifiers: ClinVar variation 641573 (VCV000641573.9), dbSNP rs1603593300, ClinGen allele CA410530526.